The following is an entry in ClinVar:

ClinVar aggregate classification (germline): Pathogenic (1 of 4 stars; one submission).

Conditions:
Congenital disorder of deglycosylation (CDDG). Identifiers: MedGen C3808991, MONDO:0031376.

Submission:

Labcorp Genetics (formerly Invitae), Labcorp
Classification: Pathogenic for Congenital disorder of deglycosylation. Last evaluated: 2023-04-19. Review status: criteria provided, single submitter. Criteria: Invitae Variant Classification Sherloc (09022015). Collection method: clinical testing. Allele origin: germline.
Comment: Disruption of this splice site has been observed in individual(s) with NGLY1-congenital disorder of glycosylation (PMID: 31311714). It has also been observed to segregate with disease in related individuals. For these reasons, this variant has been classified as Pathogenic. Algorithms developed to predict the effect of sequence changes on RNA splicing suggest that this variant may disrupt the consensus splice site. This variant is not present in population databases (gnomAD no frequency). This sequence change affects an acceptor splice site in intron 2 of the NGLY1 gene. It is expected to disrupt RNA splicing. Variants that disrupt the donor or acceptor splice site typically lead to a loss of protein function (PMID: 16199547), and loss-of-function variants in NGLY1 are known to be pathogenic (PMID: 24651605).

Literature cited by the submitters: PubMed 31311714; PubMed 16199547; PubMed 24651605.

NM_018297.4(NGLY1):c.247-2A>T

Gene: NGLY1 (N-glycanase 1; minus strand). Cytogenetic location: 3p24.2.
Variant type: single nucleotide variant.
Coding change: c.247-2A>T on transcript NM_018297.4 (MANE Select); the canonical splice acceptor site of the intron before coding-DNA position 247, A replaced by T.
Molecular consequence: splice acceptor variant.
Genome position (GRCh38, 1-based): chr3:25,764,313, T>A on the plus strand (A>T on the coding strand, the complement: NGLY1 is on the minus strand). VCF-style: chr3-25764313-T-A. GRCh37 (hg19) VCF-style: chr3-25805804-T-A.
Other names: c.121-2A>T (NM_001145294.2); c.247-2A>T (NM_001145295.2, NM_001145293.2).
Identifiers: ClinVar variation 2857803 (VCV002857803.3), dbSNP rs2470675769, ClinGen allele CA351909849.